The following is an entry in ClinVar:

NM_001369.3(DNAH5):c.5257A>G (p.Lys1753Glu)

Gene: DNAH5 (dynein axonemal heavy chain 5; minus strand). Cytogenetic location: 5p15.2.
Variant type: single nucleotide variant.
Coding change: c.5257A>G on transcript NM_001369.3 (MANE Select); coding-DNA position 5257, A replaced by G.
Protein change: p.Lys1753Glu; replaces lysine 1753 with glutamic acid.
Molecular consequence: missense variant.
Genome position (GRCh38, 1-based): chr5:13,844,851, T>C on the plus strand (A>G on the coding strand, the complement: DNAH5 is on the minus strand). VCF-style: chr5-13844851-T-C. GRCh37 (hg19) VCF-style: chr5-13844960-T-C.
Other names: short protein forms K1753E.
Identifiers: ClinVar variation 3621296 (VCV003621296.2).

ClinVar aggregate classification (germline): Uncertain significance (1 of 4 stars; one submission).

Conditions:
Primary ciliary dyskinesia. Also called: Ciliary dyskinesia. Identifiers: Orphanet 244, MedGen C0008780, MONDO:0016575, HP:0012265.

gnomAD v4.1: 1 of 1,614,216 alleles (0.000062%); highest among the groups gnomAD compares: Non-Finnish European, 0.000085%; no homozygotes.

Submission:

Labcorp Genetics (formerly Invitae), Labcorp
Classification: Uncertain significance for Primary ciliary dyskinesia. Last evaluated: 2025-01-07. Review status: criteria provided, single submitter. Criteria: Invitae Variant Classification Sherloc (09022015). Collection method: clinical testing. Allele origin: germline.
Comment: This sequence change replaces lysine, which is basic and polar, with glutamic acid, which is acidic and polar, at codon 1753 of the DNAH5 protein (p.Lys1753Glu). This variant is present in population databases (no rsID available, gnomAD 0.0009%). This variant has not been reported in the literature in individuals affected with DNAH5-related conditions. Invitae Evidence Modeling of protein sequence and biophysical properties (such as structural, functional, and spatial information, amino acid conservation, physicochemical variation, residue mobility, and thermodynamic stability) indicates that this missense variant is not expected to disrupt DNAH5 protein function with a negative predictive value of 95%. In summary, the available evidence is currently insufficient to determine the role of this variant in disease. Therefore, it has been classified as a Variant of Uncertain Significance.